The following is an entry in ClinVar:

NM_000016.6(ACADM):c.1010dup (p.Tyr337Ter)

Gene: ACADM (acyl-CoA dehydrogenase medium chain; plus strand). Cytogenetic location: 1p31.1.
Variant type: Duplication.
Coding change: c.1010dup on transcript NM_000016.6 (MANE Select); coding-DNA position 1010, one base duplicated (A; older notation c.1010dupA).
Protein change: p.Tyr337Ter; replaces tyrosine 337 with a stop codon.
Molecular consequence: nonsense.
Genome position (GRCh38, 1-based): chr1:75,761,186, A duplicated. VCF-style (leftmost placement, unchanged base first): chr1-75761185-T-TA. GRCh37 (hg19) VCF-style: chr1-76226870-T-TA.
Other names: c.1022dup, p.Tyr341Ter (NM_001127328.3); c.902dup, p.Tyr301Ter (NM_001286042.2); c.1109dup, p.Tyr370Ter (NM_001286043.2); c.443dup, p.Tyr148Ter (NM_001286044.2); short protein forms Y148*, Y341*, Y370*, Y301*, Y337*.
Identifiers: ClinVar variation 1454734 (VCV001454734.6), dbSNP rs2100452908, ClinGen allele CA2573132607.

ClinVar aggregate classification (germline): Pathogenic (1 of 4 stars; one submission).

Conditions:
Medium-chain acyl-coenzyme A dehydrogenase deficiency (ACADMD). Also called: MCADH DEFICIENCY; Medium chain acyl-CoA dehydrogenase deficiency; MCAD Deficiency; ACADM DEFICIENCY; MCADD; CARNITINE DEFICIENCY SECONDARY TO MEDIUM-CHAIN ACYL-CoA DEHYDROGENASE DEFICIENCY. Identifiers: Orphanet 42, MedGen C0220710, MONDO:0008721, OMIM 201450.

Submission:

Labcorp Genetics (formerly Invitae), Labcorp
Classification: Pathogenic for Medium-chain acyl-coenzyme A dehydrogenase deficiency. Last evaluated: 2021-07-31. Review status: criteria provided, single submitter. Criteria: Invitae Variant Classification Sherloc (09022015). Collection method: clinical testing. Allele origin: germline.
Comment: For these reasons, this variant has been classified as Pathogenic. This variant has not been reported in the literature in individuals affected with ACADM-related conditions. This variant is not present in population databases (ExAC no frequency). This sequence change creates a premature translational stop signal (p.Tyr337*) in the ACADM gene. It is expected to result in an absent or disrupted protein product. Loss-of-function variants in ACADM are known to be pathogenic (PMID: 16121256, 20434380).

Literature cited by the submitters: PubMed 16121256; PubMed 20434380.